The following is an entry in ClinVar:

NM_004380.3(CREBBP):c.4837G>A (p.Val1613Met)

Gene: CREBBP (CREB binding lysine acetyltransferase; minus strand). Cytogenetic location: 16p13.3.
Variant type: single nucleotide variant.
Coding change: c.4837G>A on transcript NM_004380.3 (MANE Select); coding-DNA position 4837, G replaced by A.
Protein change: p.Val1613Met; replaces valine 1613 with methionine.
Molecular consequence: missense variant.
Genome position (GRCh38, 1-based): chr16:3,731,829, C>T on the plus strand (G>A on the coding strand, the complement: CREBBP is on the minus strand). VCF-style: chr16-3731829-C-T. GRCh37 (hg19) VCF-style: chr16-3781830-C-T.
Other names: c.4723G>A, p.Val1575Met (NM_001079846.1); short protein forms V1575M, V1613M.
Identifiers: ClinVar variation 1254617 (VCV001254617.11), dbSNP rs766085073, ClinGen allele CA7869416.

ClinVar aggregate classification (germline): Conflicting classifications of pathogenicity. Review status: criteria provided, conflicting classifications (1 of 4 stars). 5 submissions from 5 submitters: Uncertain significance (3); Likely benign (1). 1 of the submissions does not count toward it. Last evaluated 2025-11-17.

Conditions:
Rubinstein-Taybi syndrome (RSTS). Identifiers: Orphanet 783, MedGen C0035934, MONDO:0019188.
CREBBP-related disorder. Also called: CREBBP-related condition; CREBBP-related disorders.
Tip-toe gait. Also called: Toe walking. Identifiers: MedGen C0427144, HP:0030051.

Allele frequency attached by ClinVar (database versions not stated): ExAC 0.00002; TOPMed 0.00003; gnomAD 0.00004; gnomAD exomes 0.00004.
gnomAD v4.1: 65 of 1,614,132 alleles (0.004%); highest among the groups gnomAD compares: Non-Finnish European, 0.0046%; no homozygotes.

Submissions (5):

Labcorp Genetics (formerly Invitae), Labcorp
Classification: Likely benign for Rubinstein-Taybi syndrome. Last evaluated: 2025-11-17. Review status: criteria provided, single submitter. Criteria: Invitae Variant Classification Sherloc (09022015). Collection method: clinical testing. Allele origin: germline.

PreventionGenetics, part of Exact Sciences
Classification: Uncertain significance for CREBBP-related condition. Last evaluated: 2025-04-10. Review status: criteria provided, single submitter. Criteria: ACMG Guidelines, 2015. Collection method: clinical testing. Allele origin: germline.
Comment: The CREBBP c.4837G>A variant is predicted to result in the amino acid substitution p.Val1613Met. This variant has been reported as g.5262C>T in an individual with Rubinstein-Taybi syndrome; however, that patient also had several other missense and intronic variants in CREBBP (Sample ID: RSTS13a, Supplementary Table 4, Sharma et al. 2010. PubMed ID: 20689175). This variant was also described in a large cohort of individuals with kidney or genitourinary disorders (supplementary data, Rasouly et al. 2019. PubMed ID: 30476936). This variant is reported in 0.0065% of alleles in individuals of South Asian descent in gnomAD. At this time, the clinical significance of this variant is uncertain due to the absence of conclusive functional and genetic evidence.

Mendelics
Classification: Uncertain significance. Last evaluated: 2022-05-04. Review status: criteria provided, single submitter. Criteria: Mendelics Assertion Criteria 2019. Collection method: clinical testing. Allele origin: germline.

GeneDx
Classification: Uncertain significance. Last evaluated: 2021-08-11. Review status: criteria provided, single submitter. Criteria: GeneDx Variant Classification Process June 2021. Collection method: clinical testing. Allele origin: germline. Affected: yes.
Comment: Identified in a patient with features of Rubinstein-Taybi syndrome who also harbored other multiple novel CREBBP variants (Sharma 2010); In silico analysis supports that this missense variant does not alter protein structure/function; This variant is associated with the following publications: (PMID: 20689175, 12070251)

Practice for Gait Abnormalities, David Pomarino, Competency Network Toe Walking C/o Practice Pomarino
Classification: Likely pathogenic for Tip-toe gait. Last evaluated: 2021-03-25. Review status: no assertion criteria provided. Collection method: clinical testing. Allele origin: germline. Affected: yes. Not counted in ClinVar's aggregate classification.
Comment: Hereditary motor sensory neuropathy (HMSN), also known as Charcot-Marie-Tooth Disease (CMT), is the most commonly inherited peripheral polyneuropathy. It constitutes a group of inherited, progressive, motor and sensory peripheral nerve disorders with properties of demyelination, axonal degeneration, or both. It is classified by clinical characteristics, modes of inheritance, electrophysiologic features, metabolic defects, and specific gene markers. Our patients all walk on tiptoe, so they show similar symptoms. When we genetically test them with our toe walking panel, we find that around 90 per cent of them have a genetic variant that explains their toe walking. These can be assigned, for example, to the area of myopathies (such as variants of the COL6A3 gene), the area of hereditary neuropathies (such as variants of the KMT2C gene) or the area of metabolic diseases (such as variants of the PYGM gene). In a smaller group of patients with almost identical symptoms, no abnormality is found in the genes of our panel, but spastic paraplegia can be detected. In another small group of our toe walkers, no abnormalities can be detected in the genes analysed in our toe walking panel, nor do they suffer from spastic paraplegia, as is also the case with healthy children. In contrast to these, however, they show a tiptoe gait. These patients suffer from infantile cerebral palsy, in which toe walking can also be observed.

Literature cited by the submitters: PubMed 37091313 (cited by Practice for Gait Abnormalities, David Pomarino, Competency Network Toe Walking C/o Practice Pomarino).